The following is an entry in ClinVar:

ClinVar aggregate classification (germline): Likely benign. Review status: criteria provided, multiple submitters, no conflicts (2 of 4 stars). 3 submissions from 3 submitters: Likely benign (2). 1 of the submissions does not count toward it. Last evaluated 2025-07-21.

Allele frequency attached by ClinVar (database versions not stated): gnomAD exomes 0.00031 and 0.00083; ExAC 0.00093; ESP Exome Variant Server 0.00254; gnomAD 0.00277; TOPMed 0.00304; 1000 Genomes Project 0.00419; 1000 Genomes Project 30x 0.00453.
gnomAD v4.1: 907 of 1,613,058 alleles (0.056%); highest among the groups gnomAD compares: African/African-American, 1%; 2 homozygotes.

Submissions (3):

Labcorp Genetics (formerly Invitae), Labcorp
Classification: Likely benign. Last evaluated: 2025-07-21. Review status: criteria provided, single submitter. Criteria: Invitae Variant Classification Sherloc (09022015). Collection method: clinical testing. Allele origin: germline.

Breakthrough Genomics
Classification: Likely benign. Review status: criteria provided, single submitter. Criteria: ACMG Guidelines, 2015. Collection method: not provided. Allele origin: germline. Inheritance: Autosomal recessive inheritance. Affected: yes.

ITMI
No classification provided. Condition: AllHighlyPenetrant. Last evaluated: 2013-09-19. Review status: no classification provided. Collection method: reference population. Allele origin: germline. Not counted in ClinVar's aggregate classification.
Comment: Please see associated publication for description of ethnicities

Literature cited by the submitters: PubMed 24728327 (cited by ITMI).

NM_004448.4(ERBB2):c.236A>C (p.Glu79Ala)

Gene: ERBB2 (erb-b2 receptor tyrosine kinase 2; plus strand). Cytogenetic location: 17q12.
Variant type: single nucleotide variant.
Coding change: c.236A>C on transcript NM_004448.4 (MANE Select); coding-DNA position 236, A replaced by C.
Protein change: p.Glu79Ala; replaces glutamic acid 79 with alanine.
Molecular consequence: missense variant. On other transcripts: non-coding transcript variant (1), intron variant (1).
Genome position (GRCh38, 1-based): chr17:39,708,331, A>C. VCF-style: chr17-39708331-A-C. GRCh37 (hg19) VCF-style: chr17-37864584-A-C.
Other names: c.146A>C, p.Glu49Ala (NM_001005862.3, NM_001289938.2, NM_001382782.1 and 1 more transcripts); c.191A>C, p.Glu64Ala (NM_001289936.2); c.236A>C, p.Glu79Ala (NM_001289937.2, NM_001382784.1, NM_001382785.1 and 19 more transcripts); c.227A>C, p.Glu76Ala (NM_001382791.1); c.74-3597A>C (NM_001382804.1); short protein forms E49A, E79A, E64A, E76A.
Identifiers: ClinVar variation 134087 (VCV000134087.11), dbSNP rs61737968, ClinGen allele CA158698.
Genomic context (GRCh38, chr17:39,708,331, plus strand): 5'-GGGGGGTGGCAGTGTTCCTATTTCAGCCCCACTCTGCTTCCCCCTCCCAGGATATCCAGG[A>C]GGTGCAGGGCTACGTGCTCATCGCTCACAACCAAGTGAGGCAGGTCCCACTGCAGAGGCT-3'
Protein context (NP_004439.2, residues 69-89): ASLSFLQDIQ[Glu79Ala]VQGYVLIAHN